The following is an entry in ClinVar:

ClinVar aggregate classification (germline): Pathogenic (1 of 4 stars; one submission).

gnomAD v4.1: 1 of 1,613,596 alleles (0.000062%); highest among the groups gnomAD compares: Non-Finnish European, 0.000085%; no homozygotes.

Submission:

Labcorp Genetics (formerly Invitae), Labcorp
Classification: Pathogenic. Last evaluated: 2025-04-30. Review status: criteria provided, single submitter. Criteria: Invitae Variant Classification Sherloc (09022015). Collection method: clinical testing. Allele origin: germline.
Comment: This sequence change affects a donor splice site in intron 15 of the TMC1 gene. It is expected to disrupt RNA splicing. Variants that disrupt the donor or acceptor splice site typically lead to a loss of protein function (PMID: 16199547), and loss-of-function variants in TMC1 are known to be pathogenic (PMID: 11850618, 22105175). This variant is present in population databases (no rsID available, gnomAD 0.0009%). Disruption of this splice site has been observed in individual(s) with autosomal recessive deafness (PMID: 27068579, 31379920). In at least one individual the data is consistent with being in trans (on the opposite chromosome) from a pathogenic variant. It has also been observed to segregate with disease in related individuals. For these reasons, this variant has been classified as Pathogenic.

Literature cited by the submitters: PubMed 16199547; PubMed 11850618; PubMed 22105175; PubMed 27068579; PubMed 31379920.

NM_138691.3(TMC1):c.1224+1G>T

Gene: TMC1 (transmembrane channel like 1; plus strand). Cytogenetic location: 9q21.13.
Variant type: single nucleotide variant.
Coding change: c.1224+1G>T on transcript NM_138691.3 (MANE Select); the canonical splice donor site of the intron after coding-DNA position 1224, G replaced by T.
Molecular consequence: splice donor variant.
Genome position (GRCh38, 1-based): chr9:72,789,318, G>T. VCF-style: chr9-72789318-G-T. GRCh37 (hg19) VCF-style: chr9-75404234-G-T.
Identifiers: ClinVar variation 4709670 (VCV004709670.1).